The following is an entry in ClinVar:

ClinVar aggregate classification (germline): Uncertain significance. Review status: criteria provided, multiple submitters, no conflicts (2 of 4 stars). 2 submissions from 2 submitters: Uncertain significance (2). Last evaluated 2023-11-28.

Conditions:
Hereditary cancer-predisposing syndrome. Also called: Hereditary Cancer Syndrome; Hereditary neoplastic syndrome; Neoplastic Syndromes, Hereditary; Tumor predisposition. Identifiers: Orphanet 140162, MedGen C0027672, MeSH D009386, MONDO:0015356.
Familial cancer of breast. Also called: Hereditary breast cancer; BREAST CANCER, FAMILIAL; hereditary breast carcinoma. Identifiers: Orphanet 227535, MedGen C0346153, MONDO:0016419, OMIM 114480. Disease mechanism: loss of function.

Submissions (2):

Labcorp Genetics (formerly Invitae), Labcorp
Classification: Uncertain significance for Familial cancer of breast. Last evaluated: 2023-11-28. Review status: criteria provided, single submitter. Criteria: Invitae Variant Classification Sherloc (09022015). Collection method: clinical testing. Allele origin: germline.
Comment: This sequence change replaces arginine, which is basic and polar, with threonine, which is neutral and polar, at codon 146 of the PALB2 protein (p.Arg146Thr). This variant is not present in population databases (gnomAD no frequency). This variant has not been reported in the literature in individuals affected with PALB2-related conditions. ClinVar contains an entry for this variant (Variation ID: 1740149). Algorithms developed to predict the effect of missense changes on protein structure and function output the following: SIFT: "Not Available"; PolyPhen-2: "Benign"; Align-GVGD: "Not Available". The threonine amino acid residue is found in multiple mammalian species, which suggests that this missense change does not adversely affect protein function. In summary, the available evidence is currently insufficient to determine the role of this variant in disease. Therefore, it has been classified as a Variant of Uncertain Significance.

Ambry Genetics
Classification: Uncertain significance for Hereditary cancer-predisposing syndrome. Last evaluated: 2019-03-12. Review status: criteria provided, single submitter. Criteria: Ambry Variant Classification Scheme 2023. Collection method: clinical testing. Allele origin: germline.
Comment: The p.R146T variant (also known as c.437G>C), located in coding exon 4 of the PALB2 gene, results from a G to C substitution at nucleotide position 437. The arginine at codon 146 is replaced by threonine, an amino acid with similar properties. This amino acid position is not well conserved in available vertebrate species. In addition, this alteration is predicted to be tolerated by in silico analysis. Since supporting evidence is limited at this time, the clinical significance of this alteration remains unclear.

NM_024675.4(PALB2):c.437G>C (p.Arg146Thr)

Gene: PALB2 (partner and localizer of BRCA2; minus strand). Cytogenetic location: 16p12.2.
Variant type: single nucleotide variant.
Coding change: c.437G>C on transcript NM_024675.4 (MANE Select); coding-DNA position 437, G replaced by C.
Protein change: p.Arg146Thr; replaces arginine 146 with threonine.
Molecular consequence: missense variant.
Genome position (GRCh38, 1-based): chr16:23,636,109, C>G on the plus strand (G>C on the coding strand, the complement: PALB2 is on the minus strand). VCF-style: chr16-23636109-C-G. GRCh37 (hg19) VCF-style: chr16-23647430-C-G.
Other names: c.377G>C, p.Arg126Thr (NM_001407296.1); c.437G>C, p.Arg146Thr (NM_001407297.1, NM_001407298.1, NM_001407299.1 and 3 more transcripts); c.-449G>C (NM_001407304.1, NM_001407305.1, NM_001407306.1 and 5 more transcripts); short protein forms R146T, R126T.
Identifiers: ClinVar variation 1740149 (VCV001740149.5), dbSNP rs2142443443, ClinGen allele CA395137274.